The following is an entry in ClinVar:

NM_001080421.3(UNC13A):c.3820G>A (p.Gly1274Arg)

Gene: UNC13A (unc-13 homolog A; minus strand). Cytogenetic location: 19p13.11.
Variant type: single nucleotide variant.
Coding change: c.3820G>A on transcript NM_001080421.3 (MANE Select); coding-DNA position 3820, G replaced by A.
Protein change: p.Gly1274Arg; replaces glycine 1274 with arginine.
Molecular consequence: missense variant.
Genome position (GRCh38, 1-based): chr19:17,627,874, C>T on the plus strand (G>A on the coding strand, the complement: UNC13A is on the minus strand). VCF-style: chr19-17627874-C-T. GRCh37 (hg19) VCF-style: chr19-17738683-C-T.
Other names: c.3814G>A, p.Gly1272Arg (NM_001387021.1, NM_001387023.1); c.3811G>A, p.Gly1271Arg (NM_001387022.1); short protein forms G1271R, G1272R, G1274R.
Identifiers: ClinVar variation 4071938 (VCV004071938.1).

ClinVar aggregate classification (germline): Uncertain significance (1 of 4 stars; one submission).

Submission:

GeneDx
Classification: Uncertain significance. Last evaluated: 2025-01-28. Review status: criteria provided, single submitter. Criteria: GeneDx Variant Classification Process June 2021. Collection method: clinical testing. Allele origin: germline. Affected: yes.
Comment: Not observed at significant frequency in large population cohorts (gnomAD); In silico analysis supports that this missense variant has a deleterious effect on protein structure/function; Has not been previously published as pathogenic or benign to our knowledge